The following is an entry in ClinVar:

ClinVar aggregate classification (germline): Uncertain significance (1 of 4 stars; one submission).

Conditions:
Inborn genetic diseases. Identifiers: MedGen C0950123, MeSH D030342.

Submission:

Ambry Genetics
Classification: Uncertain significance for Inborn genetic diseases. Last evaluated: 2021-06-20. Review status: criteria provided, single submitter. Criteria: Ambry Variant Classification Scheme 2023. Collection method: clinical testing. Allele origin: germline.
Comment: The p.I2066M variant (also known as c.6198T>G), located in coding exon 42 of the LRRK2 gene, results from a T to G substitution at nucleotide position 6198. The isoleucine at codon 2066 is replaced by methionine, an amino acid with highly similar properties. This amino acid position is conserved. In addition, the in silico prediction for this alteration is inconclusive. Since supporting evidence is limited at this time, the clinical significance of this alteration remains unclear.

NM_198578.4(LRRK2):c.6198T>G (p.Ile2066Met)

Gene: LRRK2 (leucine rich repeat kinase 2; plus strand). Cytogenetic location: 12q12.
Variant type: single nucleotide variant.
Coding change: c.6198T>G on transcript NM_198578.4 (MANE Select); coding-DNA position 6198, T replaced by G.
Protein change: p.Ile2066Met; replaces isoleucine 2066 with methionine.
Molecular consequence: missense variant.
Genome position (GRCh38, 1-based): chr12:40,346,841, T>G. VCF-style: chr12-40346841-T-G. GRCh37 (hg19) VCF-style: chr12-40740643-T-G.
Other names: short protein forms I2066M.
Identifiers: ClinVar variation 1752138 (VCV001752138.2), dbSNP rs2499966990, ClinGen allele CA384405527.